The following is an entry in ClinVar:

ClinVar aggregate classification (germline): Uncertain significance. Review status: criteria provided, multiple submitters, no conflicts (2 of 4 stars). 3 submissions from 3 submitters: Uncertain significance (3). Last evaluated 2026-03-12.

Conditions:
Inborn genetic diseases. Identifiers: MedGen C0950123, MeSH D030342.

Allele frequency attached by ClinVar (database versions not stated): TOPMed below 0.00001; gnomAD exomes 0.00002 and 0.00004; ExAC 0.00003; gnomAD 0.00004 and 0.00005.
gnomAD v4.1: 32 of 1,613,474 alleles (0.002%); highest among the groups gnomAD compares: Non-Finnish European, 0.0014%; no homozygotes.

Submissions (3):

GeneDx
Classification: Uncertain significance. Last evaluated: 2026-03-12. Review status: criteria provided, single submitter. Criteria: GeneDx Variant Classification Process June 2021. Collection method: clinical testing. Allele origin: germline.
Comment: In silico analysis suggests that this missense variant does not alter protein structure/function; Has not been previously published as pathogenic or benign to our knowledge

Ambry Genetics
Classification: Uncertain significance for Inborn genetic diseases. Last evaluated: 2025-04-10. Review status: criteria provided, single submitter. Criteria: Ambry Variant Classification Scheme 2023. Collection method: clinical testing. Allele origin: germline.

Labcorp Genetics (formerly Invitae), Labcorp
Classification: Uncertain significance. Last evaluated: 2025-01-06. Review status: criteria provided, single submitter. Criteria: Invitae Variant Classification Sherloc (09022015). Collection method: clinical testing. Allele origin: germline.
Comment: This sequence change replaces glutamic acid, which is acidic and polar, with lysine, which is basic and polar, at codon 2282 of the DCHS1 protein (p.Glu2282Lys). This variant is present in population databases (rs778154008, gnomAD 0.03%). This variant has not been reported in the literature in individuals affected with DCHS1-related conditions. ClinVar contains an entry for this variant (Variation ID: 1473874). Invitae Evidence Modeling of protein sequence and biophysical properties (such as structural, functional, and spatial information, amino acid conservation, physicochemical variation, residue mobility, and thermodynamic stability) indicates that this missense variant is not expected to disrupt DCHS1 protein function with a negative predictive value of 80%. In summary, the available evidence is currently insufficient to determine the role of this variant in disease. Therefore, it has been classified as a Variant of Uncertain Significance.

NM_003737.4(DCHS1):c.6844G>A (p.Glu2282Lys)

Gene: DCHS1 (dachsous cadherin-related 1; minus strand). Cytogenetic location: 11p15.4.
Variant type: single nucleotide variant.
Coding change: c.6844G>A on transcript NM_003737.4 (MANE Select); coding-DNA position 6844, G replaced by A.
Protein change: p.Glu2282Lys; replaces glutamic acid 2282 with lysine.
Molecular consequence: missense variant.
Genome position (GRCh38, 1-based): chr11:6,625,615, C>T on the plus strand (G>A on the coding strand, the complement: DCHS1 is on the minus strand). VCF-style: chr11-6625615-C-T. GRCh37 (hg19) VCF-style: chr11-6646846-C-T.
Other names: c.6844G>A (NM_003737.2, NM_003737.3); short protein forms E2282K.
Identifiers: ClinVar variation 1473874 (VCV001473874.8), dbSNP rs778154008, ClinGen allele CA5859757.